The following is an entry in ClinVar:

NM_133443.4(GPT2):c.839A>G (p.Lys280Arg)

Gene: GPT2 (glutamic--pyruvic transaminase 2; plus strand). Cytogenetic location: 16q11.2.
Variant type: single nucleotide variant.
Coding change: c.839A>G on transcript NM_133443.4 (MANE Select); coding-DNA position 839, A replaced by G.
Protein change: p.Lys280Arg; replaces lysine 280 with arginine.
Molecular consequence: missense variant.
Genome position (GRCh38, 1-based): chr16:46,916,646, A>G. VCF-style: chr16-46916646-A-G. GRCh37 (hg19) VCF-style: chr16-46950558-A-G.
Other names: c.539A>G, p.Lys180Arg (NM_001142466.3); short protein forms K180R, K280R.
Identifiers: ClinVar variation 1805495 (VCV001805495.1), dbSNP rs115574480, ClinGen allele CA8038716.

ClinVar aggregate classification (germline): Uncertain significance (1 of 4 stars; one submission).

Conditions:
Glutamate pyruvate transaminase 2 deficiency (NEDSPM). Also called: Neurodevelopmental disorder with microcephaly and spastic paraplegia. Identifiers: Orphanet 477673, MedGen C4225388, MONDO:0014567, OMIM 616281.

Allele frequency attached by ClinVar (database versions not stated): TOPMed 0.00002; ExAC 0.00003; gnomAD 0.00007.
gnomAD v4.1: 215 of 1,613,826 alleles (0.013%); highest among the groups gnomAD compares: East Asian, 0.48%; no homozygotes.

Submission:

Victorian Clinical Genetics Services, Murdoch Childrens Research Institute
Classification: Uncertain significance for Glutamate pyruvate transaminase 2 deficiency. Last evaluated: 2020-05-26. Review status: criteria provided, single submitter. Criteria: ACMG Guidelines, 2015. Collection method: clinical testing. Allele origin: germline. Inheritance: Autosomal recessive inheritance. Affected: yes.
Comment: Based on the classification scheme VCGS_Germline_v1.1.1, this variant is classified as 3C-VUS. Following criteria are met: 0102 - Loss-of-function is a known mechanism of disease for this gene. (N) 0106 - This gene is known to be associated with autosomal recessive disease. (N) 0200 - Variant is predicted to result in a missense amino acid change from lysine to arginine (exon 7). (N) 0251 - Variant is heterozygous. (N) 0304 - Variant is present in gnomAD <0.01 for a recessive condition (8 heterozygotes, 0 homozygotes). (P) 0309 - An alternative amino acid change at the same position has been observed in gnomAD (1 heterozygote, 0 homozygotes). (N) 0503 - Missense variant consistently predicted to be tolerated or not conserved in mammals with a minor amino acid change. (B) 0600 - Variant is located in an annotated domain or motif (aminotransferase class I and II domain; PDB). (N) 0705 - No comparable variants have previous evidence for pathogenicity. (N) 0807 - Variant has not previously been reported in a clinical context. (N) 0905 - No segregation evidence has been identified for this variant. (N) 1007 - No published functional evidence has been identified for this variant. (N) 1208 - Inheritance information for this variant is not currently available. (N) Legend: (P) - Pathogenic, (N) - Neutral, (B) - Benign